The following is an entry in ClinVar:

ClinVar aggregate classification (germline): Likely benign (1 of 4 stars; one submission).

gnomAD v4.1: 44 of 1,613,676 alleles (0.0027%); highest among the groups gnomAD compares: Middle Eastern, 0.016%; no homozygotes.

Submission:

CeGaT Center for Human Genetics Tuebingen
Classification: Likely benign. Last evaluated: 2026-08-01. Review status: criteria provided, single submitter. Criteria: CeGaT Center For Human Genetics Tuebingen Variant Classification Criteria Version 2. Collection method: clinical testing. Allele origin: germline. Affected: yes. Observed: 1 variant allele.
Comment: RNF10: BP4, BP7

NM_014868.5(RNF10):c.1686A>G (p.Arg562=)

Gene: RNF10 (ring finger protein 10; plus strand). Cytogenetic location: 12q24.31.
Variant type: single nucleotide variant.
Coding change: c.1686A>G on transcript NM_014868.5 (MANE Select); coding-DNA position 1686, A replaced by G.
Protein change: p.Arg562=; no amino-acid change (arginine 562 retained).
Molecular consequence: synonymous variant.
Genome position (GRCh38, 1-based): chr12:120,565,092, A>G. VCF-style: chr12-120565092-A-G. GRCh37 (hg19) VCF-style: chr12-121002895-A-G.
Other names: c.1701A>G, p.Arg567= (NM_001330474.2).
Identifiers: ClinVar variation 5039105 (VCV005039105.1).